The following is an entry in ClinVar:

NM_001048174.2(MUTYH):c.77C>G (p.Ala26Gly)

Gene: MUTYH (mutY DNA glycosylase; minus strand). Cytogenetic location: 1p34.1.
Variant type: single nucleotide variant.
Coding change: c.77C>G on transcript NM_001048174.2 (MANE Select); coding-DNA position 77, C replaced by G.
Protein change: p.Ala26Gly; replaces alanine 26 with glycine.
Molecular consequence: missense variant. On other transcripts: 5 prime UTR variant (7), non-coding transcript variant (7).
Genome position (GRCh38, 1-based): chr1:45,334,429, G>C on the plus strand (C>G on the coding strand, the complement: MUTYH is on the minus strand). VCF-style: chr1-45334429-G-C. GRCh37 (hg19) VCF-style: chr1-45800101-G-C.
Other names: c.77C>G, p.Ala26Gly (NM_001407072.1, NM_001407077.1, NM_001407078.1 and 15 more transcripts); c.119C>G, p.Ala40Gly (NM_001407073.1, NM_012222.3, NM_001128425.2 and 2 more transcripts); c.-80C>G (NM_001407075.1); c.-131C>G (NM_001407082.1, NM_001350651.2); c.95C>G, p.Ala32Gly (NM_001407087.1); c.-136C>G (NM_001407091.1, NM_001293192.2, NM_001293196.2); c.-195C>G (NM_001350650.2); short protein forms A26G, A32G, A40G.
Identifiers: ClinVar variation 3297051 (VCV003297051.1).

ClinVar aggregate classification (germline): Uncertain significance (1 of 4 stars; one submission).

Conditions:
Hereditary cancer-predisposing syndrome. Also called: Tumor predisposition; Hereditary Cancer Syndrome; Hereditary neoplastic syndrome; Neoplastic Syndromes, Hereditary. Identifiers: Orphanet 140162, MedGen C0027672, MeSH D009386, MONDO:0015356.

Submission:

Ambry Genetics
Classification: Uncertain significance for Hereditary cancer-predisposing syndrome. Last evaluated: 2024-04-24. Review status: criteria provided, single submitter. Criteria: Ambry Variant Classification Scheme 2023. Collection method: clinical testing. Allele origin: germline.
Comment: The c.119C>G variant (also known as p.A40G), located in coding exon 2 of the MUTYH gene, results from a C to G substitution at nucleotide position 119. The alanine at codon 40 is replaced by glycine, an amino acid with similar properties. This nucleotide position is not well conserved in available vertebrate species. In silico splice site analysis predicts that this alteration may weaken the native splice donor site and will result in the creation or strengthening of a novel splice donor site; however, direct evidence is insufficient at this time (Ambry internal data). This amino acid position is not well conserved in available vertebrate species. In addition, this alteration is predicted to be tolerated by in silico analysis. Based on the available evidence, the clinical significance of this variant remains unclear.